The following is an entry in ClinVar:

NM_005029.4(PITX3):c.727G>A (p.Ala243Thr)

Genes: GBF1 (golgi brefeldin A resistant guanine nucleotide exchange factor 1; plus strand), PITX3 (paired like homeodomain 3; minus strand), LOC130004591 (ATAC-STARR-seq lymphoblastoid silent region 2753; plus strand). Cytogenetic location: 10q24.32.
Variant type: single nucleotide variant.
Coding change: c.727G>A on transcript NM_005029.4 (MANE Select); coding-DNA position 727, G replaced by A.
Protein change: p.Ala243Thr; replaces alanine 243 with threonine.
Molecular consequence: missense variant. On other transcripts: 5 prime UTR variant (2).
Genome position (GRCh38, 1-based): chr10:102,230,696, C>T on the plus strand (G>A on the coding strand, the complement: PITX3 is on the minus strand). VCF-style: chr10-102230696-C-T. GRCh37 (hg19) VCF-style: chr10-103990453-C-T.
Other names: c.-231C>T (NM_001391923.1); c.-369C>T (NM_001391924.1); short protein forms A243T.
Identifiers: ClinVar variation 4991761 (VCV004991761.1).

ClinVar aggregate classification (germline): Uncertain significance (1 of 4 stars; one submission).

Conditions:
PITX3-related disorder. Also called: PITX3-related condition.

Submission:

PreventionGenetics, part of Exact Sciences
Classification: Uncertain significance for PITX3-related condition. Last evaluated: 2026-05-13. Review status: criteria provided, single submitter. Criteria: ACMG Guidelines, 2015. Collection method: clinical testing. Allele origin: germline.
Comment: The PITX3 c.727G>A variant is predicted to result in the amino acid substitution p.Ala243Thr. To our knowledge, this variant has not been reported in the literature. This variant is absent in a large population database (gnomAD), indicating this variant is rare. At this time, the clinical significance of this variant is uncertain due to the absence of conclusive functional and genetic evidence.